The following is an entry in ClinVar:

NM_005628.3(SLC1A5):c.610-4A>G

Genes: SLC1A5 (solute carrier family 1 member 5; minus strand), LOC126862918 (MED14-independent group 3 enhancer GRCh37_chr19:47287225-47288424; plus strand). Cytogenetic location: 19q13.32.
Variant type: single nucleotide variant.
Coding change: c.610-4A>G on transcript NM_005628.3 (MANE Select); 4 bases into the intron before coding-DNA position 610, A replaced by G.
Molecular consequence: intron variant.
Genome position (GRCh38, 1-based): chr19:46,784,148, T>C on the plus strand (A>G on the coding strand, the complement: SLC1A5 is on the minus strand). VCF-style: chr19-46784148-T-C. GRCh37 (hg19) VCF-style: chr19-47287405-T-C.
Other names: c.-75-4A>G (NM_001145144.2); c.4-4A>G (NM_001145145.2).
Identifiers: ClinVar variation 1225629 (VCV001225629.4), dbSNP rs3027958, ClinGen allele CA9532691.

ClinVar aggregate classification (germline): Benign. Review status: criteria provided, multiple submitters, no conflicts (2 of 4 stars). 2 submissions from 2 submitters: Benign (2). Last evaluated 2019-04-19.

Allele frequency attached by ClinVar (database versions not stated): 1000 Genomes Project 0.10264; 1000 Genomes Project 30x 0.10384; TOPMed 0.14115; gnomAD 0.14627 and 0.14688; gnomAD exomes 0.15997 and 0.18511; ESP Exome Variant Server 0.16116; ExAC 0.16460.

Submissions (2):

GeneDx
Classification: Benign. Last evaluated: 2019-04-19. Review status: criteria provided, single submitter. Criteria: GeneDx Variant Classification Process June 2021. Collection method: clinical testing. Allele origin: germline. Affected: yes.
Comment: This variant is associated with the following publications: (PMID: 28885889)

Breakthrough Genomics
Classification: Benign. Review status: criteria provided, single submitter. Criteria: ACMG Guidelines, 2015. Collection method: not provided. Allele origin: germline. Inheritance: Unknown mechanism. Affected: yes.